The following is an entry in ClinVar:

ClinVar aggregate classification (germline): Uncertain significance (1 of 4 stars; one submission).

Conditions:
Inborn genetic diseases. Identifiers: MedGen C0950123, MeSH D030342.

Submission:

Ambry Genetics
Classification: Uncertain significance for Inborn genetic diseases. Last evaluated: 2026-05-14. Review status: criteria provided, single submitter. Criteria: Ambry Variant Classification Scheme 2023. Collection method: clinical testing. Allele origin: germline.
Comment: The p.T43I variant (also known as c.128C>T), located in coding exon 2 of the ERCC6L2 gene, results from a C to T substitution at nucleotide position 128. The threonine at codon 43 is replaced by isoleucine, an amino acid with similar properties. This amino acid position is conserved. In addition, this alteration is predicted to be tolerated by in silico analysis. Based on the available evidence, the clinical significance of this variant remains unclear.

NM_020207.7(ERCC6L2):c.128C>T (p.Thr43Ile)

Gene: ERCC6L2 (ERCC excision repair 6 like 2; plus strand). Cytogenetic location: 9q22.32.
Variant type: single nucleotide variant.
Coding change: c.128C>T on transcript NM_020207.7 (MANE Select); coding-DNA position 128, C replaced by T.
Protein change: p.Thr43Ile; replaces threonine 43 with isoleucine.
Molecular consequence: missense variant. On other transcripts: non-coding transcript variant (1).
Genome position (GRCh38, 1-based): chr9:95,880,950, C>T. VCF-style: chr9-95880950-C-T. GRCh37 (hg19) VCF-style: chr9-98643232-C-T.
Other names: c.128C>T, p.Thr43Ile (NM_001375294.1, NM_001010895.4, NM_001375291.1 and 2 more transcripts); short protein forms T43I.
Identifiers: ClinVar variation 4870603 (VCV004870603.1).